The following is an entry in ClinVar:

NM_139058.3(ARX):c.893A>T (p.His298Leu)

Gene: ARX (aristaless related homeobox; minus strand). Cytogenetic location: Xp21.3.
Variant type: single nucleotide variant.
Coding change: c.893A>T on transcript NM_139058.3 (MANE Select); coding-DNA position 893, A replaced by T.
Protein change: p.His298Leu; replaces histidine 298 with leucine.
Molecular consequence: missense variant.
Genome position (GRCh38, 1-based): chrX:25,013,102, T>A on the plus strand (A>T on the coding strand, the complement: ARX is on the minus strand). VCF-style: chrX-25013102-T-A. GRCh37 (hg19) VCF-style: chrX-25031219-T-A.
Other names: short protein forms H298L.
Identifiers: ClinVar variation 2118579 (VCV002118579.4), dbSNP rs2519106458, ClinGen allele CA412612223.

ClinVar aggregate classification (germline): Uncertain significance (1 of 4 stars; one submission).

Conditions:
Developmental and epileptic encephalopathy, 1 (DEE1). Also called: X-linked infantile spasms; West's syndrome; Tonic spasms with clustering, arrest of psychomotor development and hypsarrhythmia on EEG; X-Linked Infantile Spasm Syndrome; OHTAHARA SYNDROME, X-LINKED; INFANTILE SPASM SYNDROME, X-LINKED 1. Identifiers: MedGen C3463992, MONDO:0010632, OMIM 308350. Disease mechanism: loss of function.
Intellectual disability, X-linked, with or without seizures, ARX-related. Also called: INTELLECTUAL DEVELOPMENTAL DISORDER, X-LINKED 29; Mental retardation, X-linked 52; MENTAL RETARDATION, X-LINKED 29; MENTAL RETARDATION, X-LINKED 32; MENTAL RETARDATION, X-LINKED 33; MENTAL RETARDATION, X-LINKED 38. Identifiers: Orphanet 777, MedGen C0796244, MONDO:0010317, OMIM 300419.

Submission:

Labcorp Genetics (formerly Invitae), Labcorp
Classification: Uncertain significance for Developmental and epileptic encephalopathy, 1; Intellectual disability, X-linked, with or without seizures, ARX-related. Last evaluated: 2022-05-27. Review status: criteria provided, single submitter. Criteria: Invitae Variant Classification Sherloc (09022015). Collection method: clinical testing. Allele origin: germline.
Comment: This sequence change replaces histidine, which is basic and polar, with leucine, which is neutral and non-polar, at codon 298 of the ARX protein (p.His298Leu). This variant is not present in population databases (gnomAD no frequency). In summary, the available evidence is currently insufficient to determine the role of this variant in disease. Therefore, it has been classified as a Variant of Uncertain Significance. Advanced modeling of protein sequence and biophysical properties (such as structural, functional, and spatial information, amino acid conservation, physicochemical variation, residue mobility, and thermodynamic stability) performed at Invitae indicates that this missense variant is not expected to disrupt ARX protein function. This variant has not been reported in the literature in individuals affected with ARX-related conditions.